The following is an entry in ClinVar:

ClinVar aggregate classification (germline): Uncertain significance (1 of 4 stars; one submission).

gnomAD v4.1: 20 of 1,614,098 alleles (0.0012%); highest among the groups gnomAD compares: Admixed American, 0.0067%; no homozygotes.

Submission:

Labcorp Genetics (formerly Invitae), Labcorp
Classification: Uncertain significance. Last evaluated: 2024-10-22. Review status: criteria provided, single submitter. Criteria: Invitae Variant Classification Sherloc (09022015). Collection method: clinical testing. Allele origin: germline.
Comment: This sequence change replaces serine, which is neutral and polar, with arginine, which is basic and polar, at codon 889 of the ADNP protein (p.Ser889Arg). This variant is present in population databases (rs750568080, gnomAD 0.008%). This variant has not been reported in the literature in individuals affected with ADNP-related conditions. ClinVar contains an entry for this variant (Variation ID: 2175265). An algorithm developed to predict the effect of missense changes on protein structure and function (PolyPhen-2) suggests that this variant¬†is likely to be tolerated. In summary, the available evidence is currently insufficient to determine the role of this variant in disease. Therefore, it has been classified as a Variant of Uncertain Significance.

NM_001282531.3(ADNP):c.2667T>G (p.Ser889Arg)

Gene: ADNP (activity dependent neuroprotector homeobox; minus strand). Cytogenetic location: 20q13.13.
Variant type: single nucleotide variant.
Coding change: c.2667T>G on transcript NM_001282531.3 (MANE Select); coding-DNA position 2667, T replaced by G.
Protein change: p.Ser889Arg; replaces serine 889 with arginine.
Molecular consequence: missense variant.
Genome position (GRCh38, 1-based): chr20:50,892,047, A>C on the plus strand (T>G on the coding strand, the complement: ADNP is on the minus strand). VCF-style: chr20-50892047-A-C. GRCh37 (hg19) VCF-style: chr20-49508584-A-C.
Other names: c.2667T>G, p.Ser889Arg (NM_001282532.2, NM_001347511.2, NM_015339.5 and 1 more transcripts); short protein forms S889R.
Identifiers: ClinVar variation 2175265 (VCV002175265.3), dbSNP rs750568080, ClinGen allele CA9908546.